The following is an entry in ClinVar:

NM_001033855.3(DCLRE1C):c.628del (p.Tyr210fs)

Gene: DCLRE1C (DNA cross-link repair 1C; minus strand). Cytogenetic location: 10p13.
Variant type: Deletion.
Coding change: c.628del on transcript NM_001033855.3 (MANE Select); coding-DNA position 628, one base deleted (T; older notation c.628delT).
Protein change: p.Tyr210fs; shifts the reading frame from tyrosine 210.
Molecular consequence: frameshift variant. On other transcripts: non-coding transcript variant (4).
Genome position (GRCh38, 1-based): chr10:14,934,430, A deleted on the plus strand (T on the coding strand, the reverse complement: DCLRE1C is on the minus strand); the first of 2 consecutive A bases (chr10:14,934,430-14,934,431); deleting either gives the same sequence. VCF-style (leftmost placement, unchanged base first): chr10-14934429-TA-T. GRCh37 (hg19) VCF-style: chr10-14976428-TA-T.
Other names: c.268del, p.Tyr90fs (NM_001033857.3, NM_001033858.3, NM_001289077.2 and 2 more transcripts); c.283del, p.Tyr95fs (NM_001289076.2, NM_001289078.2, NM_001350966.2 and 1 more transcripts); c.628del, p.Tyr210fs (NM_001350965.2); short protein forms Y210fs, Y95fs, Y90fs.
Identifiers: ClinVar variation 861704 (VCV000861704.7), dbSNP rs1839558393, ClinGen allele CA916081566.

ClinVar aggregate classification (germline): Pathogenic (1 of 4 stars; one submission).

Conditions:
Severe combined immunodeficiency due to DCLRE1C deficiency (RS-SCID). Also called: SCID, AUTOSOMAL RECESSIVE, T CELL-NEGATIVE, B CELL-NEGATIVE, NK CELL-POSITIVE, WITH SENSITIVITY TO IONIZING RADIATION. Identifiers: Orphanet 275, MedGen C1865371, MONDO:0011225, OMIM 602450.

Submission:

Labcorp Genetics (formerly Invitae), Labcorp
Classification: Pathogenic for Athabaskan severe combined immunodeficiency. Last evaluated: 2023-09-08. Review status: criteria provided, single submitter. Criteria: Invitae Variant Classification Sherloc (09022015). Collection method: clinical testing. Allele origin: germline.
Comment: This variant has not been reported in the literature in individuals affected with DCLRE1C-related conditions. ClinVar contains an entry for this variant (Variation ID: 861704). This variant is not present in population databases (gnomAD no frequency). This sequence change creates a premature translational stop signal (p.Tyr210Metfs*14) in the DCLRE1C gene. It is expected to result in an absent or disrupted protein product. Loss-of-function variants in DCLRE1C are known to be pathogenic (PMID: 21664875, 26123418). For these reasons, this variant has been classified as Pathogenic.

Literature cited by the submitters: PubMed 21664875; PubMed 26123418.